The following is an entry in ClinVar:

ClinVar aggregate classification (germline): Uncertain significance (1 of 4 stars; one submission).

Submission:

GeneDx
Classification: Uncertain significance. Last evaluated: 2019-12-10. Review status: criteria provided, single submitter. Criteria: GeneDx Variant Classification Process June 2021. Collection method: clinical testing. Allele origin: germline. Affected: yes.
Comment: Not observed in large population cohorts (Lek et al., 2016); In silico analysis, which includes protein predictors and evolutionary conservation, supports that this variant does not alter protein structure/function; Has not been previously published as pathogenic or benign to our knowledge

NM_000291.4(PGK1):c.149G>C (p.Cys50Ser)

Gene: PGK1 (phosphoglycerate kinase 1; plus strand). Cytogenetic location: Xq21.1.
Variant type: single nucleotide variant.
Coding change: c.149G>C on transcript NM_000291.4 (MANE Select); coding-DNA position 149, G replaced by C.
Protein change: p.Cys50Ser; replaces cysteine 50 with serine.
Molecular consequence: missense variant.
Genome position (GRCh38, 1-based): chrX:78,113,776, G>C. VCF-style: chrX-78113776-G-C. GRCh37 (hg19) VCF-style: chrX-77369273-G-C.
Other names: short protein forms C50S.
Identifiers: ClinVar variation 1311112 (VCV001311112.2), dbSNP rs2149132075, ClinGen allele CA413718799.
Genomic context (GRCh38, chrX:78,113,776, plus strand): 5'-TCTGTTTGTTGTCTCTCTTTGGTTGCAGGATTAAGGCTGCTGTCCCAAGCATCAAATTCT[G>C]CTTGGACAATGGAGCCAAGTCGGTAGTCCTTATGAGCCACCTAGGCCGGCCTGATGGTGT-3'
Protein context (NP_000282.1, residues 40-60): IKAAVPSIKF[Cys50Ser]LDNGAKSVVL